The following is an entry in ClinVar:

NM_001042545.2(LTBP4):c.1642G>C (p.Gly548Arg)

Gene: LTBP4 (latent transforming growth factor beta binding protein 4; plus strand). Cytogenetic location: 19q13.2.
Variant type: single nucleotide variant.
Coding change: c.1642G>C on transcript NM_001042545.2 (MANE Select); coding-DNA position 1642, G replaced by C.
Protein change: p.Gly548Arg; replaces glycine 548 with arginine.
Molecular consequence: missense variant.
Genome position (GRCh38, 1-based): chr19:40,609,829, G>C. VCF-style: chr19-40609829-G-C. GRCh37 (hg19) VCF-style: chr19-41115735-G-C.
Other names: c.1843G>C, p.Gly615Arg (NM_001042544.1); c.1732G>C, p.Gly578Arg (NM_003573.2); short protein forms G548R, G615R, G578R.
Identifiers: ClinVar variation 1905203 (VCV001905203.3), dbSNP rs1489832695, ClinGen allele CA405936924.

ClinVar aggregate classification (germline): Uncertain significance. Review status: criteria provided, multiple submitters, no conflicts (2 of 4 stars). 2 submissions from 2 submitters: Uncertain significance (2). Last evaluated 2025-10-07.

Conditions:
Inborn genetic diseases. Identifiers: MedGen C0950123, MeSH D030342.

Allele frequency attached by ClinVar (database versions not stated): gnomAD 0.00001; TOPMed 0.00001.
gnomAD v4.1: 7 of 1,599,668 alleles (0.00044%); highest among the groups gnomAD compares: Non-Finnish European, 0.0006%; no homozygotes.

Submissions (2):

Ambry Genetics
Classification: Uncertain significance for Inborn genetic diseases. Last evaluated: 2025-10-07. Review status: criteria provided, single submitter. Criteria: Ambry Variant Classification Scheme 2023. Collection method: clinical testing. Allele origin: germline.

Labcorp Genetics (formerly Invitae), Labcorp
Classification: Uncertain significance. Last evaluated: 2022-06-27. Review status: criteria provided, single submitter. Criteria: Invitae Variant Classification Sherloc (09022015). Collection method: clinical testing. Allele origin: germline.
Comment: This sequence change replaces glycine, which is neutral and non-polar, with arginine, which is basic and polar, at codon 578 of the LTBP4 protein (p.Gly578Arg). This variant is present in population databases (no rsID available, gnomAD 0.007%). This variant has not been reported in the literature in individuals affected with LTBP4-related conditions. Experimental studies and prediction algorithms are not available or were not evaluated, and the functional significance of this variant is currently unknown. In summary, the available evidence is currently insufficient to determine the role of this variant in disease. Therefore, it has been classified as a Variant of Uncertain Significance.